The following is an entry in ClinVar:

ClinVar aggregate classification (germline): Benign/Likely benign. Review status: criteria provided, multiple submitters, no conflicts (2 of 4 stars). 6 submissions from 6 submitters: Benign (1); Likely benign (2). 3 of the submissions do not count toward it. Last evaluated 2024-07-01.

Conditions:
CTNND2-related disorder. Also called: CTNND2-related condition.
Inborn genetic diseases. Identifiers: MedGen C0950123, MeSH D030342.

Allele frequency attached by ClinVar (database versions not stated): 1000 Genomes Project 0.00060; ESP Exome Variant Server 0.00069; 1000 Genomes Project 30x 0.00078.
gnomAD v4.1: 321 of 1,605,542 alleles (0.02%); highest among the groups gnomAD compares: African/African-American, 0.27%; no homozygotes.

Submissions (6):

CeGaT Center for Human Genetics Tuebingen
Classification: Likely benign. Last evaluated: 2024-07-01. Review status: criteria provided, single submitter. Criteria: CeGaT Center For Human Genetics Tuebingen Variant Classification Criteria Version 2. Collection method: clinical testing. Allele origin: germline. Affected: yes. Observed: 1 variant allele.
Comment: CTNND2: BS1

Ambry Genetics
Classification: Likely benign for Inborn genetic diseases. Last evaluated: 2024-06-13. Review status: criteria provided, single submitter. Criteria: Ambry Variant Classification Scheme 2023. Collection method: clinical testing. Allele origin: germline.

GeneDx
Classification: Benign. Last evaluated: 2019-10-18. Review status: criteria provided, single submitter. Criteria: GeneDx Variant Classification Process June 2021. Collection method: clinical testing. Allele origin: germline. Affected: yes.

PreventionGenetics, part of Exact Sciences
Classification: Likely benign for CTNND2-related condition. Last evaluated: 2022-08-01. Review status: no assertion criteria provided. Collection method: clinical testing. Allele origin: germline. Not counted in ClinVar's aggregate classification.
Comment: This variant is classified as likely benign based on ACMG/AMP sequence variant interpretation guidelines (Richards et al. 2015 PMID: 25741868, with internal and published modifications).

Clinical Genetics DNA and cytogenetics Diagnostics Lab, Erasmus MC, Erasmus Medical Center
Classification: Uncertain significance. Review status: no assertion criteria provided. Collection method: clinical testing. Allele origin: germline. Affected: yes. Study: VKGL Data-share Consensus. Not counted in ClinVar's aggregate classification.

Diagnostic Laboratory, Department of Genetics, University Medical Center Groningen
Classification: Uncertain significance. Review status: no assertion criteria provided. Collection method: clinical testing. Allele origin: germline. Affected: yes. Study: VKGL Data-share Consensus. Not counted in ClinVar's aggregate classification.

NM_001332.4(CTNND2):c.1480G>A (p.Gly494Ser)

Gene: CTNND2 (catenin delta 2; minus strand). Cytogenetic location: 5p15.2.
Variant type: single nucleotide variant.
Coding change: c.1480G>A on transcript NM_001332.4 (MANE Select); coding-DNA position 1480, G replaced by A.
Protein change: p.Gly494Ser; replaces glycine 494 with serine.
Molecular consequence: missense variant. On other transcripts: non-coding transcript variant (1).
Genome position (GRCh38, 1-based): chr5:11,346,520, C>T on the plus strand (G>A on the coding strand, the complement: CTNND2 is on the minus strand). VCF-style: chr5-11346520-C-T. GRCh37 (hg19) VCF-style: chr5-11346632-C-T.
Other names: c.1480G>A (NM_001332.3); c.1207G>A, p.Gly403Ser (NM_001288715.1); c.469G>A, p.Gly157Ser (NM_001288716.1, NM_001364128.2); c.181G>A, p.Gly61Ser (NM_001288717.2); short protein forms G157S, G403S, G494S, G61S.
Identifiers: ClinVar variation 1255198 (VCV001255198.22), dbSNP rs34001856, ClinGen allele CA3200852.